The following is an entry in ClinVar:

ClinVar aggregate classification (germline): Likely benign. Review status: criteria provided, multiple submitters, no conflicts (2 of 4 stars). 2 submissions from 2 submitters: Likely benign (2). Last evaluated 2024-09-30.

Conditions:
Marfan syndrome (MFS). Also called: MARFAN SYNDROME, TYPE I; Marfan syndrome type 1; Marfan's syndrome; Marfan syndrome, classic; FBN1-Related Marfan Syndrome. Identifiers: Orphanet 284963, Orphanet 558, MedGen C0024796, MONDO:0007947, OMIM 154700.
Familial thoracic aortic aneurysm and aortic dissection (TAAD). Also called: Thoracic aortic aneurysms and dissections. Identifiers: Orphanet 91387, MedGen C4707243, MONDO:0019625.

Allele frequency attached by ClinVar (database versions not stated): gnomAD 0.00001.
gnomAD v4.1: 1 of 1,614,124 alleles (0.000062%); highest among the groups gnomAD compares: Non-Finnish European, 0.000085%; no homozygotes.

Submissions (2):

Labcorp Genetics (formerly Invitae), Labcorp
Classification: Likely benign for Marfan syndrome; Familial thoracic aortic aneurysm and aortic dissection. Last evaluated: 2024-09-30. Review status: criteria provided, single submitter. Criteria: Invitae Variant Classification Sherloc (09022015). Collection method: clinical testing. Allele origin: germline.

All of Us Research Program, National Institutes of Health
Classification: Likely benign for Marfan syndrome. Last evaluated: 2023-11-20. Review status: criteria provided, single submitter. Criteria: ACMG Guidelines, 2015. Collection method: clinical testing. Allele origin: germline. Inheritance: Autosomal dominant inheritance. Observed: 1 variant allele, 1 heterozygote.
Comment: This study involves interpretation of variants in research participants for the purpose of population health screening. Participant phenotype was not available at the time of variant classification. Additional details can be found in publication PMID: 35346344, PMCID: PMC8962531

NM_000138.5(FBN1):c.7893C>T (p.Cys2631=)

Gene: FBN1 (fibrillin 1; minus strand). Cytogenetic location: 15q21.1.
Variant type: single nucleotide variant.
Coding change: c.7893C>T on transcript NM_000138.5 (MANE Select); coding-DNA position 7893, C replaced by T.
Protein change: p.Cys2631=; no amino-acid change (cysteine 2631 retained).
Molecular consequence: synonymous variant.
Genome position (GRCh38, 1-based): chr15:48,415,694, G>A on the plus strand (C>T on the coding strand, the complement: FBN1 is on the minus strand). VCF-style: chr15-48415694-G-A. GRCh37 (hg19) VCF-style: chr15-48707891-G-A.
Other names: c.7893C>T, p.Cys2631= (NM_001406716.1).
Identifiers: ClinVar variation 3074611 (VCV003074611.3), dbSNP rs2042898552, ClinGen allele CA490119347.
Genomic context (GRCh38, chr15:48,415,694, plus strand): 5'-TTCATTGATGTCTTGGCATCCTCCACTGAACTGTTCATACTGGAAGCCGGCGGGACACAT[G>A]CACTTGTAGCTCCCCAGGGTGTTGTGACAGGAGGCTCCTCCGCAGATGTGAGCGCTGAGG-3'
Protein context (NP_000129.3, residues 2621-2641): SCHNTLGSYK[Cys2631=]MCPAGFQYEQ